The following is an entry in ClinVar:

ClinVar aggregate classification (germline): Uncertain significance. Review status: criteria provided, multiple submitters, no conflicts (2 of 4 stars). 2 submissions from 2 submitters: Uncertain significance (2). Last evaluated 2022-12-16.

Conditions:
SOX17-related disorder. Also called: SOX17-related condition.

Allele frequency attached by ClinVar (database versions not stated): ExAC 0.00001; gnomAD 0.00001.

Submissions (2):

PreventionGenetics, part of Exact Sciences
Classification: Uncertain significance for SOX17-related condition. Last evaluated: 2022-12-16. Review status: criteria provided, single submitter. Criteria: ACMG Guidelines, 2015. Collection method: clinical testing. Allele origin: germline.
Comment: The SOX17 c.1166C>T variant is predicted to result in the amino acid substitution p.Pro389Leu. To our knowledge, this variant has not been reported in the literature. This variant is reported in 0.0040% of alleles in individuals of African descent in gnomAD. At this time, the clinical significance of this variant is uncertain due to the absence of conclusive functional and genetic evidence.

Labcorp Genetics (formerly Invitae), Labcorp
Classification: Uncertain significance. Last evaluated: 2022-06-08. Review status: criteria provided, single submitter. Criteria: Invitae Variant Classification Sherloc (09022015). Collection method: clinical testing. Allele origin: germline.
Comment: In summary, the available evidence is currently insufficient to determine the role of this variant in disease. Therefore, it has been classified as a Variant of Uncertain Significance. Algorithms developed to predict the effect of missense changes on protein structure and function are either unavailable or do not agree on the potential impact of this missense change (SIFT: "Deleterious"; PolyPhen-2: "Benign"; Align-GVGD: "Class C15"). This variant has not been reported in the literature in individuals affected with SOX17-related conditions. This variant is present in population databases (rs777515606, gnomAD 0.004%). This sequence change replaces proline, which is neutral and non-polar, with leucine, which is neutral and non-polar, at codon 389 of the SOX17 protein (p.Pro389Leu).

NM_022454.4(SOX17):c.1166C>T (p.Pro389Leu)

Gene: SOX17 (SRY-box transcription factor 17; plus strand). Cytogenetic location: 8q11.23.
Variant type: single nucleotide variant.
Coding change: c.1166C>T on transcript NM_022454.4 (MANE Select); coding-DNA position 1166, C replaced by T.
Protein change: p.Pro389Leu; replaces proline 389 with leucine.
Molecular consequence: missense variant.
Genome position (GRCh38, 1-based): chr8:54,459,916, C>T. VCF-style: chr8-54459916-C-T. GRCh37 (hg19) VCF-style: chr8-55372476-C-T.
Other names: c.1166C>T (NM_022454.3); short protein forms P389L.
Identifiers: ClinVar variation 2073092 (VCV002073092.5), dbSNP rs777515606, ClinGen allele CA4751035.